The following is an entry in ClinVar:

NM_054012.4(ASS1):c.379C>T (p.Arg127Trp)

Gene: ASS1 (argininosuccinate synthase 1; plus strand). Cytogenetic location: 9q34.11.
Variant type: single nucleotide variant.
Coding change: c.379C>T on transcript NM_054012.4 (MANE Select); coding-DNA position 379, C replaced by T.
Protein change: p.Arg127Trp; replaces arginine 127 with tryptophan.
Molecular consequence: missense variant.
Genome position (GRCh38, 1-based): chr9:130,464,126, C>T. VCF-style: chr9-130464126-C-T. GRCh37 (hg19) VCF-style: chr9-133339513-C-T.
Other names: c.364-2599C>T; c.379C>T, p.Arg127Trp (NM_000050.4); short protein forms R127W.
Identifiers: ClinVar variation 553417 (VCV000553417.9), dbSNP rs771794639, ClinGen allele CA5283260.
Genomic context (GRCh38, chr9:130,464,126, plus strand): 5'-ACCCCCATCCTGTGGCTCCTGACAGCCCTCTGTTCTGCATTGCAGGGGAACGATCAGGTC[C>T]GGTTTGAGCTCAGCTGCTACTCACTGGCCCCCCAGATAAAGGTAGGATGTGGCTCCTCCC-3'
Protein context (NP_446464.1, residues 117-137): GATGKGNDQV[Arg127Trp]FELSCYSLAP

ClinVar aggregate classification (germline): Pathogenic/Likely pathogenic. Review status: criteria provided, multiple submitters, no conflicts (2 of 4 stars). 6 submissions from 6 submitters: Pathogenic (3); Likely pathogenic (2). 1 of the submissions does not count toward it. Last evaluated 2024-12-31.

Conditions:
Citrullinemia type I (CTNL1). Also called: ASS DEFICIENCY; argininosuccinate synthetase deficiency. Identifiers: Orphanet 247525, MedGen C4721769, MONDO:0008988, OMIM 215700.

Allele frequency attached by ClinVar (database versions not stated): gnomAD exomes below 0.00001 and 0.00001; ExAC 0.00001; TOPMed 0.00001.

Submissions (6):

Natera, Inc.
Classification: Likely pathogenic for Citrullinemia type I. Last evaluated: 2024-12-31. Review status: criteria provided, single submitter. Criteria: Natera Variant Classification Schema (03/2026). Collection method: clinical testing. Allele origin: germline.
Comment: The c.379C>T variant in ASS1 is a missense variant predicted to cause substitution of arginine to tryptophan at amino acid 127. This variant is rare in the general population with a frequency below the threshold expected for the associated phenotype(s). This variant has been observed in one or more individuals affected with the associated recessive disease, as either homozygous or compound heterozygous with a second variant (PMID: 19006241, 27287393). A different variant at the same position has been determined to be Pathogenic or Likely Pathogenic. Computational prediction algorithms indicate this variant is likely to affect gene or protein function. Given the available evidence, this variant is classified as Likely Pathogenic.

Fulgent Genetics
Classification: Likely pathogenic for Citrullinemia type I. Last evaluated: 2024-04-06. Review status: criteria provided, single submitter. Criteria: ACMG Guidelines, 2015. Collection method: clinical testing. Allele origin: germline.

Genomic Medicine Center of Excellence, King Faisal Specialist Hospital and Research Centre
Classification: Pathogenic for Citrullinemia type I. Last evaluated: 2024-03-17. Review status: criteria provided, single submitter. Criteria: ACMG Guidelines, 2015. Collection method: research. Allele origin: germline.

Baylor Genetics
Classification: Pathogenic for Citrullinemia type I. Last evaluated: 2023-04-05. Review status: criteria provided, single submitter. Criteria: ACMG Guidelines, 2015. Collection method: clinical testing. Allele origin: unknown.

Pediatric/Medical Genetics, Ministry of Health, Qatif Central Hospital
Classification: Pathogenic for Citrullinemia type I. Last evaluated: 2022-12-21. Review status: criteria provided, single submitter. Criteria: ACMG Guidelines, 2015. Collection method: clinical testing. Allele origin: germline. Inheritance: Autosomal recessive inheritance. Affected: yes. Observed: 1 homozygote.

Counsyl
Classification: Uncertain significance for Citrullinemia type I. Last evaluated: 2017-08-18. Review status: no assertion criteria provided. Collection method: clinical testing. Allele origin: unknown. Not counted in ClinVar's aggregate classification.

Literature cited by the submitters: PubMed 19006241 (cited by 3 submitters); PubMed 27287393 (cited by Natera, Inc.).